The following is an entry in ClinVar:

ClinVar aggregate classification (germline): Likely benign (1 of 4 stars; one submission).

Allele frequency attached by ClinVar (database versions not stated): gnomAD exomes below 0.00001 and 0.00002; ExAC 0.00001; TOPMed 0.00001.
gnomAD v4.1: 31 of 1,605,942 alleles (0.0019%); highest among the groups gnomAD compares: Non-Finnish European, 0.0026%; no homozygotes.

Submission:

GeneDx
Classification: Likely benign. Last evaluated: 2016-09-06. Review status: criteria provided, single submitter. Criteria: GeneDx Variant Classification (06012015). Collection method: clinical testing. Allele origin: germline. Affected: yes.
Comment: This variant is considered likely benign or benign based on one or more of the following criteria: it is a conservative change, it occurs at a poorly conserved position in the protein, it is predicted to be benign by multiple in silico algorithms, and/or has population frequency not consistent with disease.

NM_007078.3(LDB3):c.-18G>A

Genes: LDB3 (LIM domain binding 3; plus strand), LOC130004243 (ATAC-STARR-seq lymphoblastoid active region 3695; plus strand). Cytogenetic location: 10q23.2.
Variant type: single nucleotide variant.
Coding change: c.-18G>A on transcript NM_007078.3 (MANE Select); 18 bases upstream of the start codon, G replaced by A.
Molecular consequence: 5 prime UTR variant.
Genome position (GRCh38, 1-based): chr10:86,668,674, G>A. VCF-style: chr10-86668674-G-A. GRCh37 (hg19) VCF-style: chr10-88428431-G-A.
Other names: c.-18G>A (NM_001080114.2, NM_001080115.2, NM_001080116.1 and 8 more transcripts).
Identifiers: ClinVar variation 389072 (VCV000389072.1), dbSNP rs778777335, ClinGen allele CA5584555.